The following is an entry in ClinVar:

ClinVar aggregate classification (germline): Uncertain significance (1 of 4 stars; one submission).

Allele frequency attached by ClinVar (database versions not stated): TOPMed below 0.00001; gnomAD exomes 0.00001 and 0.00002; ExAC 0.00003; 1000 Genomes Project 0.00020; 1000 Genomes Project 30x 0.00031.
gnomAD v4.1: 19 of 1,612,746 alleles (0.0012%); highest among the groups gnomAD compares: South Asian, 0.014%; 1 homozygote.

Submission:

Labcorp Genetics (formerly Invitae), Labcorp
Classification: Uncertain significance. Last evaluated: 2021-09-03. Review status: criteria provided, single submitter. Criteria: Invitae Variant Classification Sherloc (09022015). Collection method: clinical testing. Allele origin: germline.
Comment: In summary, the available evidence is currently insufficient to determine the role of this variant in disease. Therefore, it has been classified as a Variant of Uncertain Significance. Algorithms developed to predict the effect of missense changes on protein structure and function are either unavailable or do not agree on the potential impact of this missense change (SIFT: "Deleterious"; PolyPhen-2: "Benign"; Align-GVGD: "Class C0"). This variant has not been reported in the literature in individuals affected with AHR-related conditions. This variant is present in population databases (rs530894063, ExAC 0.02%). This sequence change replaces threonine with serine at codon 22 of the AHR protein (p.Thr22Ser). The threonine residue is moderately conserved and there is a small physicochemical difference between threonine and serine.

NM_001621.5(AHR):c.64A>T (p.Thr22Ser)

Gene: AHR (aryl hydrocarbon receptor; plus strand). Cytogenetic location: 7p21.1.
Variant type: single nucleotide variant.
Coding change: c.64A>T on transcript NM_001621.5 (MANE Select); coding-DNA position 64, A replaced by T.
Protein change: p.Thr22Ser; replaces threonine 22 with serine.
Molecular consequence: missense variant.
Genome position (GRCh38, 1-based): chr7:17,299,328, A>T. VCF-style: chr7-17299328-A-T. GRCh37 (hg19) VCF-style: chr7-17338952-A-T.
Other names: short protein forms T22S.
Identifiers: ClinVar variation 1517960 (VCV001517960.4), dbSNP rs530894063, ClinGen allele CA4171695.